The following is an entry in ClinVar:

NM_020911.2(PLXNA4):c.735C>T (p.Val245=)

Gene: PLXNA4 (plexin A4; minus strand). Cytogenetic location: 7q32.3.
Variant type: single nucleotide variant.
Coding change: c.735C>T on transcript NM_020911.2 (MANE Select); coding-DNA position 735, C replaced by T.
Protein change: p.Val245=; no amino-acid change (valine 245 retained).
Molecular consequence: synonymous variant.
Genome position (GRCh38, 1-based): chr7:132,507,959, G>A on the plus strand (C>T on the coding strand, the complement: PLXNA4 is on the minus strand). VCF-style: chr7-132507959-G-A. GRCh37 (hg19) VCF-style: chr7-132192718-G-A.
Other names: c.735C>T, p.Val245= (NM_001105543.2, NM_001393897.1, NM_181775.4).
Identifiers: ClinVar variation 3351348 (VCV003351348.1).
Genomic context (GRCh38, chr7:132,507,959, plus strand): 5'-AGACACCATCTCAGGTTGGAGGGTCAAAAAGTAGACAAAGTTGCCACTGCTAAAACCATA[G>A]ACATAGTAGATATCAAAGTCAGGGATGATGGTGAAGGTGTCCGAAGGGATCTTAATCATC-3'
Protein context (NP_065962.1, residues 235-255): TIIPDFDIYY[Val245=]YGFSSGNFVY

ClinVar aggregate classification (germline): Likely benign (0 of 4 stars; one submission).

Conditions:
PLXNA4-related disorder. Also called: PLXNA4-related condition.

gnomAD v4.1: 2 of 1,614,176 alleles (0.00012%); highest among the groups gnomAD compares: Admixed American, 0.0033%; no homozygotes.

Submission:

PreventionGenetics, part of Exact Sciences
Classification: Likely benign for PLXNA4-related condition. Last evaluated: 2023-09-29. Review status: no assertion criteria provided. Collection method: clinical testing. Allele origin: germline.
Comment: This variant is classified as likely benign based on ACMG/AMP sequence variant interpretation guidelines (Richards et al. 2015 PMID: 25741868, with internal and published modifications).